The following is an entry in ClinVar:

NM_000447.3(PSEN2):c.188A>G (p.Tyr63Cys)

Gene: PSEN2 (presenilin 2; plus strand). Cytogenetic location: 1q42.13.
Variant type: single nucleotide variant.
Coding change: c.188A>G on transcript NM_000447.3 (MANE Select); coding-DNA position 188, A replaced by G.
Protein change: p.Tyr63Cys; replaces tyrosine 63 with cysteine.
Molecular consequence: missense variant.
Genome position (GRCh38, 1-based): chr1:226,883,751, A>G. VCF-style: chr1-226883751-A-G. GRCh37 (hg19) VCF-style: chr1-227071452-A-G.
Other names: c.188A>G, p.Tyr63Cys (NM_001437537.1, NM_012486.3); short protein forms Y63C.
Identifiers: ClinVar variation 4688247 (VCV004688247.1).
Genomic context (GRCh38, chr1:226,883,751, plus strand): 5'-GTGGTTTCCCACAGAGAAGCCAGGAGAACGAGGAGGACGGTGAGGAGGACCCTGACCGCT[A>G]TGTCTGTAGTGGGGTTCCCGGGCGGCCGCCAGGCCTGGAGGAAGAGCTGACCCTCAAATA-3'
Protein context (NP_000438.2, residues 53-73): EEDGEEDPDR[Tyr63Cys]VCSGVPGRPP

ClinVar aggregate classification (germline): Uncertain significance (1 of 4 stars; one submission).

gnomAD v4.1: 3 of 1,613,888 alleles (0.00019%); highest among the groups gnomAD compares: African/African-American, 0.0013%; no homozygotes.

Submission:

Women's Health and Genetics/Laboratory Corporation of America, LabCorp
Classification: Uncertain significance. Last evaluated: 2025-12-17. Review status: criteria provided, single submitter. Criteria: LabCorp Variant Classification Summary - May 2015. Collection method: clinical testing. Allele origin: germline.
Comment: Variant summary: PSEN2 c.188A>G (p.Tyr63Cys) results in a non-conservative amino acid change in the encoded protein sequence. Algorithms developed to predict the effect of missense changes on protein structure and function are either unavailable or do not agree on the potential impact of this missense change. The variant was absent in 251216 control chromosomes. The available data on variant occurrences in the general population are insufficient to allow any conclusion about variant significance. To our knowledge, no occurrence of c.188A>G in individuals affected with PSEN2-related conditions and no experimental evidence demonstrating its impact on protein function have been reported. No submitters have cited clinical-significance assessments for this variant to ClinVar. Based on the evidence outlined above, the variant was classified as uncertain significance.